The following is an entry in ClinVar:

NM_032119.4(ADGRV1):c.12797A>G (p.Tyr4266Cys)

Gene: ADGRV1 (adhesion G protein-coupled receptor V1; plus strand). Cytogenetic location: 5q14.3.
Variant type: single nucleotide variant.
Coding change: c.12797A>G on transcript NM_032119.4 (MANE Select); coding-DNA position 12797, A replaced by G.
Protein change: p.Tyr4266Cys; replaces tyrosine 4266 with cysteine.
Molecular consequence: missense variant. On other transcripts: non-coding transcript variant (1).
Genome position (GRCh38, 1-based): chr5:90,778,557, A>G. VCF-style: chr5-90778557-A-G. GRCh37 (hg19) VCF-style: chr5-90074374-A-G.
Other names: c.12797A>G (NM_032119.3); short protein forms Y4266C.
Identifiers: ClinVar variation 1417734 (VCV001417734.5), dbSNP rs376605741, ClinGen allele CA3341334.

ClinVar aggregate classification (germline): Uncertain significance. Review status: criteria provided, multiple submitters, no conflicts (2 of 4 stars). 2 submissions from 2 submitters: Uncertain significance (2). Last evaluated 2026-04-23.

Conditions:
ADGRV1-related disorder. Also called: ADGRV1-related disorders; ADGRV1-related condition.

Allele frequency attached by ClinVar (database versions not stated): TOPMed 0.00002; ESP Exome Variant Server 0.00008; ExAC 0.00001; gnomAD exomes 0.00001; gnomAD 0.00002.
gnomAD v4.1: 6 of 1,611,372 alleles (0.00037%); highest among the groups gnomAD compares: African/African-American, 0.004%; no homozygotes.

Submissions (2):

PreventionGenetics, part of Exact Sciences
Classification: Uncertain significance for ADGRV1-related condition. Last evaluated: 2026-04-23. Review status: criteria provided, single submitter. Criteria: ACMG Guidelines, 2015. Collection method: clinical testing. Allele origin: germline.
Comment: The ADGRV1 c.12797A>G variant is predicted to result in the amino acid substitution p.Tyr4266Cys. To our knowledge, this variant has not been reported in the literature. This variant is reported in 0.0065% of alleles in individuals of African descent in gnomAD. At this time, the clinical significance of this variant is uncertain due to the absence of conclusive functional and genetic evidence.

Labcorp Genetics (formerly Invitae), Labcorp
Classification: Uncertain significance. Last evaluated: 2024-02-24. Review status: criteria provided, single submitter. Criteria: Invitae Variant Classification Sherloc (09022015). Collection method: clinical testing. Allele origin: germline.
Comment: This sequence change replaces tyrosine, which is neutral and polar, with cysteine, which is neutral and slightly polar, at codon 4266 of the ADGRV1 protein (p.Tyr4266Cys). This variant is present in population databases (rs376605741, gnomAD 0.007%). This variant has not been reported in the literature in individuals affected with ADGRV1-related conditions. ClinVar contains an entry for this variant (Variation ID: 1417734). Advanced modeling of protein sequence and biophysical properties (such as structural, functional, and spatial information, amino acid conservation, physicochemical variation, residue mobility, and thermodynamic stability) performed at Invitae indicates that this missense variant is not expected to disrupt ADGRV1 protein function with a negative predictive value of 80%. In summary, the available evidence is currently insufficient to determine the role of this variant in disease. Therefore, it has been classified as a Variant of Uncertain Significance.